The following is an entry in ClinVar:

ClinVar aggregate classification (germline): Uncertain significance (1 of 4 stars; one submission).

Conditions:
Retinitis pigmentosa 12 (RP12). Also called: RP WITH OR WITHOUT PPRPE; RP WITH OR WITHOUT PRESERVED PARAARTERIOLE RETINAL PIGMENT EPITHELIUM; RETINITIS PIGMENTOSA WITH OR WITHOUT PARAARTERIOLAR PRESERVATION OF RETINAL PIGMENT EPITHELIUM. Identifiers: Orphanet 791, MedGen C1838647, MONDO:0010818, OMIM 600105.
Leber congenital amaurosis 8 (LCA8). Identifiers: Orphanet 65, MedGen C3151202, MONDO:0013453, OMIM 613835.

Submission:

Labcorp Genetics (formerly Invitae), Labcorp
Classification: Uncertain significance for Leber congenital amaurosis 8; Retinitis pigmentosa 12. Last evaluated: 2022-06-19. Review status: criteria provided, single submitter. Criteria: Invitae Variant Classification Sherloc (09022015). Collection method: clinical testing. Allele origin: germline.
Comment: In summary, the available evidence is currently insufficient to determine the role of this variant in disease. Therefore, it has been classified as a Variant of Uncertain Significance. Advanced modeling of protein sequence and biophysical properties (such as structural, functional, and spatial information, amino acid conservation, physicochemical variation, residue mobility, and thermodynamic stability) performed at Invitae indicates that this missense variant is not expected to disrupt CRB1 protein function. This variant has not been reported in the literature in individuals affected with CRB1-related conditions. This variant is not present in population databases (gnomAD no frequency). This sequence change replaces lysine, which is basic and polar, with threonine, which is neutral and polar, at codon 46 of the CRB1 protein (p.Lys46Thr).

NM_201253.3(CRB1):c.137A>C (p.Lys46Thr)

Gene: CRB1 (crumbs cell polarity complex component 1; plus strand). Cytogenetic location: 1q31.3.
Variant type: single nucleotide variant.
Coding change: c.137A>C on transcript NM_201253.3 (MANE Select); coding-DNA position 137, A replaced by C.
Protein change: p.Lys46Thr; replaces lysine 46 with threonine.
Molecular consequence: missense variant. On other transcripts: 5 prime UTR variant (1), non-coding transcript variant (2).
Genome position (GRCh38, 1-based): chr1:197,328,488, A>C. VCF-style: chr1-197328488-A-C. GRCh37 (hg19) VCF-style: chr1-197297618-A-C.
Other names: c.137A>C, p.Lys46Thr (NM_001193640.2, NM_001257966.2); c.-71A>C (NM_001257965.2); short protein forms K46T.
Identifiers: ClinVar variation 2008362 (VCV002008362.4), dbSNP rs2465025276, ClinGen allele CA344085102.
Genomic context (GRCh38, chr1:197,328,488, plus strand): 5'-TTTGCAATAAAAACAACACCAGGTGCCTCTCAAATTCTTGCCAAAACAATTCTACATGCA[A>C]AGATTTTTCAAAAGACAATGATTGTTCTTGTTCAGACACAGCCAATAATTTGGACAAAGA-3'
Protein context (NP_957705.1, residues 36-56): SNSCQNNSTC[Lys46Thr]DFSKDNDCSC